The following is an entry in ClinVar:

NM_001164508.2(NEB):c.25292C>A (p.Ser8431Ter)

Genes: NEB (nebulin; minus strand), RIF1 (replication timing regulatory factor 1; plus strand). Cytogenetic location: 2q23.3.
Variant type: single nucleotide variant.
Coding change: c.25292C>A on transcript NM_001164508.2 (MANE Select); coding-DNA position 25292, C replaced by A.
Protein change: p.Ser8431Ter; replaces serine 8431 with a stop codon.
Molecular consequence: nonsense.
Genome position (GRCh38, 1-based): chr2:151,490,377, G>T on the plus strand (C>A on the coding strand, the complement: NEB is on the minus strand). VCF-style: chr2-151490377-G-T. GRCh37 (hg19) VCF-style: chr2-152346891-G-T.
Other names: c.25292C>A, p.Ser8431Ter (NM_001164507.2); c.25397C>A, p.Ser8466Ter (NM_001271208.2); c.19724C>A, p.Ser6575Ter (NM_004543.5); short protein forms S6575*, S8431*, S8466*.
Identifiers: ClinVar variation 5011373 (VCV005011373.1).
Genomic context (GRCh38, chr2:151,490,377, plus strand): 5'-ACCATCAATGAGCTGGCCGGGTGGGACTGCCAAAATCAGCGCCAGGCACTTGTACCTGTT[G>T]AGACTGCAAAGACACCCCCGTCGCTGTAAGTCGAAAGGTGGTGGTCTGGTGCTTCTGAAT-3'

ClinVar aggregate classification (germline): Pathogenic (1 of 4 stars; one submission).

Conditions:
Nemaline myopathy 2 (NEM2). Also called: Nemaline myopathy 2, autosomal recessive. Identifiers: MedGen C1850569, MONDO:0009725, OMIM 256030.

Submission:

Myriad Genetics, Inc.
Classification: Pathogenic for Nemaline myopathy 2. Last evaluated: 2023-08-17. Review status: criteria provided, single submitter. Criteria: Myriad Autosomal Dominant, Autosomal Recessive and X-Linked Classification Criteria (2023). Collection method: clinical testing. Allele origin: unknown.
Comment: NM_001271208.1(NEB):c.25397C>A(S8466*) is expected to be pathogenic in the context of NEB-related nemaline myopathy. This variant is predicted to lead to an abnormal or absent protein product due to the creation of a premature termination codon in NEB, a gene where loss-of-function variants are known to be pathogenic. Please note: this variant was assessed in the context of healthy population screening.